The following is an entry in ClinVar:

ClinVar aggregate classification (germline): Uncertain significance (1 of 4 stars; one submission).

Conditions:
Cardiovascular phenotype. Identifiers: MedGen CN230736.

Allele frequency attached by ClinVar (database versions not stated): gnomAD exomes below 0.00001.

Submission:

Ambry Genetics
Classification: Uncertain significance for Cardiovascular phenotype. Last evaluated: 2022-07-08. Review status: criteria provided, single submitter. Criteria: Ambry Variant Classification Scheme 2023. Collection method: clinical testing. Allele origin: germline.
Comment: The p.A356T variant (also known as c.1066G>A), located in coding exon 6 of the JUP gene, results from a G to A substitution at nucleotide position 1066. The alanine at codon 356 is replaced by threonine, an amino acid with similar properties. This amino acid position is conserved. In addition, this alteration is predicted to be deleterious by in silico analysis. Since supporting evidence is limited at this time, the clinical significance of this alteration remains unclear.

NM_002230.4(JUP):c.1066G>A (p.Ala356Thr)

Gene: JUP (junction plakoglobin; minus strand). Cytogenetic location: 17q21.2.
Variant type: single nucleotide variant.
Coding change: c.1066G>A on transcript NM_002230.4 (MANE Select); coding-DNA position 1066, G replaced by A.
Protein change: p.Ala356Thr; replaces alanine 356 with threonine.
Molecular consequence: missense variant.
Genome position (GRCh38, 1-based): chr17:41,764,805, C>T on the plus strand (G>A on the coding strand, the complement: JUP is on the minus strand). VCF-style: chr17-41764805-C-T. GRCh37 (hg19) VCF-style: chr17-39921057-C-T.
Other names: c.1066G>A, p.Ala356Thr (NM_001352773.2, NM_001352774.2, NM_001352775.2 and 3 more transcripts); short protein forms A356T.
Identifiers: ClinVar variation 1781943 (VCV001781943.2), dbSNP rs1555603232, ClinGen allele CA399499097.